The following is an entry in ClinVar:

NM_002609.4(PDGFRB):c.2299G>A (p.Glu767Lys)

Gene: PDGFRB (platelet derived growth factor receptor beta; minus strand). Cytogenetic location: 5q32.
Variant type: single nucleotide variant.
Coding change: c.2299G>A on transcript NM_002609.4 (MANE Select); coding-DNA position 2299, G replaced by A.
Protein change: p.Glu767Lys; replaces glutamic acid 767 with lysine.
Molecular consequence: missense variant.
Genome position (GRCh38, 1-based): chr5:150,121,925, C>T on the plus strand (G>A on the coding strand, the complement: PDGFRB is on the minus strand). VCF-style: chr5-150121925-C-T. GRCh37 (hg19) VCF-style: chr5-149501488-C-T.
Other names: c.2107G>A, p.Glu703Lys (NM_001355016.2); c.1816G>A, p.Glu606Lys (NM_001355017.2); c.2299G>A (NM_002609.3); short protein forms E606K, E703K, E767K.
Identifiers: ClinVar variation 3762986 (VCV003762986.3).

ClinVar aggregate classification (germline): Uncertain significance. Review status: criteria provided, multiple submitters, no conflicts (2 of 4 stars). 2 submissions from 2 submitters: Uncertain significance (2). Last evaluated 2026-08-24.

Conditions:
Skeletal overgrowth-craniofacial dysmorphism-hyperelastic skin-white matter lesions syndrome. Also called: SKELETAL OVERGROWTH WITH FACIAL DYSMORPHISM, HYPERELASTIC SKIN, WHITE MATTER LESIONS, AND NEUROLOGIC DETERIORATION; Kosaki overgrowth syndrome. Identifiers: Orphanet 477831, MedGen C4225270, MONDO:0014704, OMIM 616592.
Infantile myofibromatosis (IMF). Also called: Congenital generalized fibromatosis. Identifiers: Orphanet 2591, MedGen C0432284, MONDO:0016824.
Basal ganglia calcification, idiopathic, 4 (PFBC4). Also called: Familial Idiopathic Basal Ganglia Calcification 4; PRIMARY FAMILIAL BRAIN CALCIFICATION 4, AUTOSOMAL DOMINANT. Identifiers: Orphanet 1980, MedGen C3554321, MONDO:0014004, OMIM 615007.
Acroosteolysis-keloid-like lesions-premature aging syndrome. Also called: Premature aging syndrome, Penttinen type; Prematurely aged appearance, delayed bone maturation, acro-osteolysis, and brachydactyly; Progeroid syndrome, Penttinen type. Identifiers: Orphanet 363665, MedGen C1866182, MONDO:0011150, OMIM 601812.

gnomAD v4.1: 9 of 1,613,492 alleles (0.00056%); highest among the groups gnomAD compares: Non-Finnish European, 0.00068%; no homozygotes.

Submissions (2):

GeneDx
Classification: Uncertain significance. Last evaluated: 2026-08-24. Review status: criteria provided, single submitter. Criteria: GeneDx Variant Classification Process June 2021. Collection method: clinical testing. Allele origin: germline.
Comment: Not observed at significant frequency in large population cohorts (gnomAD); In silico analysis suggests that this missense variant does not alter protein structure/function; Has not been previously published as pathogenic or benign to our knowledge

Labcorp Genetics (formerly Invitae), Labcorp
Classification: Uncertain significance for Basal ganglia calcification, idiopathic, 4; Skeletal overgrowth-craniofacial dysmorphism-hyperelastic skin-white matter lesions syndrome; Infantile myofibromatosis; Acroosteolysis-keloid-like lesions-premature aging syndrome. Last evaluated: 2024-06-19. Review status: criteria provided, single submitter. Criteria: Invitae Variant Classification Sherloc (09022015). Collection method: clinical testing. Allele origin: germline.
Comment: This sequence change replaces glutamic acid, which is acidic and polar, with lysine, which is basic and polar, at codon 767 of the PDGFRB protein (p.Glu767Lys). This variant is present in population databases (rs771923448, gnomAD 0.002%). This variant has not been reported in the literature in individuals affected with PDGFRB-related conditions. Advanced modeling of protein sequence and biophysical properties (such as structural, functional, and spatial information, amino acid conservation, physicochemical variation, residue mobility, and thermodynamic stability) performed at Invitae indicates that this missense variant is not expected to disrupt PDGFRB protein function with a negative predictive value of 80%. In summary, the available evidence is currently insufficient to determine the role of this variant in disease. Therefore, it has been classified as a Variant of Uncertain Significance.